The following is an entry in ClinVar:

ClinVar aggregate classification (germline): Benign (1 of 4 stars; one submission).

Allele frequency attached by ClinVar (database versions not stated): TOPMed 0.61259; gnomAD 0.61650 and 0.62280; 1000 Genomes Project 30x 0.63819; 1000 Genomes Project 0.64297.
gnomAD v4.1: 94,318 of 151,244 alleles (62%); highest among the groups gnomAD compares: East Asian, 73%; 30,077 homozygotes.

Submission:

GeneDx
Classification: Benign. Last evaluated: 2018-06-14. Review status: criteria provided, single submitter. Criteria: GeneDx Variant Classification (06012015). Collection method: clinical testing. Allele origin: germline. Affected: yes.
Comment: This variant is considered likely benign or benign based on one or more of the following criteria: it is a conservative change, it occurs at a poorly conserved position in the protein, it is predicted to be benign by multiple in silico algorithms, and/or has population frequency not consistent with disease.

NM_022124.6(CDH23):c.1515-193A>G

Gene: CDH23 (cadherin related 23; plus strand). Cytogenetic location: 10q22.1.
Variant type: single nucleotide variant.
Coding change: c.1515-193A>G on transcript NM_022124.6 (MANE Select); 193 bases into the intron before coding-DNA position 1515, A replaced by G.
Molecular consequence: intron variant.
Genome position (GRCh38, 1-based): chr10:71,677,263, A>G. VCF-style: chr10-71677263-A-G. GRCh37 (hg19) VCF-style: chr10-73437020-A-G.
Other names: c.1515-193A>G (NM_001171930.2, NM_001171931.2).
Identifiers: ClinVar variation 678767 (VCV000678767.1), dbSNP rs1234887, ClinGen allele CA13269261.
Genomic context (GRCh38, chr10:71,677,263, plus strand): 5'-GCCTGGGTTTCCTCCTTGCTTAAATCAGGCAACTCCTCCTGCCCACCTCGTGTGATCCTG[A>G]TCCCCGCCACCCACCCACCCCCTTTAGAAATAGCAGCTCTTCTCAGGGCAAGTGAAAGGG-3'